The following is an entry in ClinVar:

NM_001165963.4(SCN1A):c.3625A>T (p.Arg1209Trp)

Genes: SCN1A (sodium voltage-gated channel alpha subunit 1; minus strand), LOC102724058 (uncharacterized LOC102724058; plus strand). Cytogenetic location: 2q24.3.
Variant type: single nucleotide variant.
Coding change: c.3625A>T on transcript NM_001165963.4 (MANE Select); coding-DNA position 3625, A replaced by T.
Protein change: p.Arg1209Trp; replaces arginine 1209 with tryptophan.
Molecular consequence: missense variant. On other transcripts: non-coding transcript variant (1).
Genome position (GRCh38, 1-based): chr2:166,013,824, T>A on the plus strand (A>T on the coding strand, the complement: SCN1A is on the minus strand). VCF-style: chr2-166013824-T-A. GRCh37 (hg19) VCF-style: chr2-166870334-T-A.
Other names: c.3589A>T, p.Arg1197Trp (NM_001353955.2, NM_001353954.2); c.3541A>T, p.Arg1181Trp (NM_001353957.2, NM_001353958.2, NM_001165964.3); c.3538A>T, p.Arg1180Trp (NM_001353960.2); c.1183A>T, p.Arg395Trp (NM_001353961.2); c.3592A>T, p.Arg1198Trp (NM_006920.6, NM_001353949.2, NM_001353950.2 and 2 more transcripts); c.3625A>T, p.Arg1209Trp (NM_001202435.3, NM_001353948.2); short protein forms R1180W, R1181W, R1197W, R1198W, R1209W, R395W.
Identifiers: ClinVar variation 1065175 (VCV001065175.3), dbSNP rs2105610731, ClinGen allele CA349056089.
Genomic context (GRCh38, chr2:166,013,824, plus strand): 5'-GAATCATGAAAACAATGAAGGTCTCAAACCAGTTATGTTCAACTATTCGGAAACACGTCC[T>A]TCTCAGGTTCCACCATTGTTTTCCTCTGCCTTCTTCCACATTGATTTGACAACACTTGAA-3'
Protein context (NP_001159435.1, residues 1199-1219): GRGKQWWNLR[Arg1209Trp]TCFRIVEHNW

ClinVar aggregate classification (germline): Uncertain significance (1 of 4 stars; one submission).

Conditions:
West syndrome. Also called: Infantile epileptic spasms syndrome. Identifiers: Orphanet 3451, Orphanet 697160, MedGen C0037769, MONDO:0018097. Disease mechanism: loss of function.

Submission:

Centre for Inherited Metabolic Diseases, Karolinska University Hospital
Classification: Uncertain significance. Last evaluated: 2021-04-25. Review status: criteria provided, single submitter. Criteria: ACMG Guidelines, 2015. Collection method: clinical testing. Allele origin: germline. Inheritance: Autosomal dominant inheritance. Affected: yes. Observed: 1 heterozygote.
Comment: So far published West syndrome cases caused by SCN1A variants are de novo. The variant has been considered possibly causative. Reduced penetrance is described in Dravet syndrome.